The following is an entry in ClinVar:

NM_001370694.2(ANO7):c.1425G>A (p.Val475=)

Gene: ANO7 (anoctamin 7; plus strand). Cytogenetic location: 2q37.3.
Variant type: single nucleotide variant.
Coding change: c.1425G>A on transcript NM_001370694.2 (MANE Select); coding-DNA position 1425, G replaced by A.
Protein change: p.Val475=; no amino-acid change (valine 475 retained).
Molecular consequence: synonymous variant.
Genome position (GRCh38, 1-based): chr2:241,210,360, G>A. VCF-style: chr2-241210360-G-A. GRCh37 (hg19) VCF-style: chr2-242149775-G-A.
Other names: c.1587G>A (NM_001001891.3).
Identifiers: ClinVar variation 778057 (VCV000778057.28), dbSNP rs141796681, ClinGen allele CA2215161.

ClinVar aggregate classification (germline): Benign/Likely benign. Review status: criteria provided, multiple submitters, no conflicts (2 of 4 stars). 3 submissions from 3 submitters: Benign (2); Likely benign (1). Last evaluated 2023-03-01.

Allele frequency attached by ClinVar (database versions not stated): 1000 Genomes Project 30x 0.00312; 1000 Genomes Project 0.00359; ExAC 0.00408; gnomAD 0.00434 and 0.00439; gnomAD exomes 0.00446 and 0.00644; TOPMed 0.00456; ESP Exome Variant Server 0.00554.
gnomAD v4.1: 10,014 of 1,614,062 alleles (0.62%); highest among the groups gnomAD compares: Non-Finnish European, 0.74%; 52 homozygotes.

Submissions (3):

CeGaT Center for Human Genetics Tuebingen
Classification: Likely benign. Last evaluated: 2023-03-01. Review status: criteria provided, single submitter. Criteria: CeGaT Center For Human Genetics Tuebingen Variant Classification Criteria Version 2. Collection method: clinical testing. Allele origin: germline. Affected: yes. Observed: 1 variant allele.
Comment: ANO7: BP4, BP7, BS2

Labcorp Genetics (formerly Invitae), Labcorp
Classification: Benign. Last evaluated: 2018-03-29. Review status: criteria provided, single submitter. Criteria: Invitae Variant Classification Sherloc (09022015). Collection method: clinical testing. Allele origin: germline.

Breakthrough Genomics
Classification: Benign. Review status: criteria provided, single submitter. Criteria: ACMG Guidelines, 2015. Collection method: not provided. Allele origin: germline. Inheritance: Unknown mechanism. Affected: yes.